The following is an entry in ClinVar:

ClinVar aggregate classification (germline): Uncertain significance (1 of 4 stars; one submission).

Conditions:
Polycystic kidney disease, adult type (PKD1). Also called: POLYCYSTIC KIDNEY DISEASE 1 WITH OR WITHOUT POLYCYSTIC LIVER DISEASE; POLYCYSTIC KIDNEY DISEASE, ADULT, TYPE I; Polycystic Kidney Disease 1, Autosomal Dominant; Polycystic kidney disease 1; Polycystic kidney disease 1, severe; Polycystic Kidney, Autosomal Dominant. Identifiers: MedGen C3149841, MONDO:0008263, OMIM 173900.

Submission:

Neuberg Centre For Genomic Medicine, NCGM
Classification: Uncertain significance for Polycystic kidney disease, adult type. Review status: criteria provided, single submitter. Criteria: ACMG Guidelines, 2015. Collection method: clinical testing. Allele origin: germline. Affected: yes.
Comment: The missense variant p.L3754P in PKD1 (NM_001009944.3) has not been reported previously as a pathogenic variant nor as a benign variant, to our knowledge. The p.L3754P variant is novel (not in any individuals) in gnomAD Exomes and is novel (not in any individuals) in 1000 Genomes. In silico tools predict a damaging effect and the residue is conserved across species. For these reasons, this variant has been classified as Uncertain Significance.

NM_001009944.3(PKD1):c.11261T>C (p.Leu3754Pro)

Genes: PKD1 (polycystin 1, transient receptor potential channel interacting; minus strand), PKD1-AS1 (PKD1 antisense RNA 1; plus strand). Cytogenetic location: 16p13.3.
Variant type: single nucleotide variant.
Coding change: c.11261T>C on transcript NM_001009944.3 (MANE Select); coding-DNA position 11261, T replaced by C.
Protein change: p.Leu3754Pro; replaces leucine 3754 with proline.
Molecular consequence: missense variant.
Genome position (GRCh38, 1-based): chr16:2,092,488, A>G on the plus strand (T>C on the coding strand, the complement: PKD1 is on the minus strand). VCF-style: chr16-2092488-A-G. GRCh37 (hg19) VCF-style: chr16-2142489-A-G.
Other names: c.11258T>C, p.Leu3753Pro (NM_000296.4); short protein forms L3753P, L3754P.
Identifiers: ClinVar variation 1338994 (VCV001338994.2), dbSNP rs2151701845, ClinGen allele CA394336125.
Genomic context (GRCh38, chr16:2,092,488, plus strand): 5'-TCTCTCAACAAGAGGAACGATTTAAGTCTTGGGGCACGCCCTGCCAGCTCACCTTCCTGC[A>G]GCCGCACCTGCCGCAGCCGTGGGGGCCCCAGCTCTGGGCTGGACTGGTTCCCGTGGACGT-3'
Protein context (NP_001009944.3, residues 3744-3764): LGPPRLRQVR[Leu3754Pro]QEALYPDPPG